The following is an entry in ClinVar:

ClinVar aggregate classification (germline): Uncertain significance. Review status: criteria provided, multiple submitters, no conflicts (2 of 4 stars). 2 submissions from 2 submitters: Uncertain significance (2). Last evaluated 2023-05-08.

Conditions:
Inborn genetic diseases. Identifiers: MedGen C0950123, MeSH D030342.

Allele frequency attached by ClinVar (database versions not stated): ExAC 0.00002; gnomAD 0.00002 and 0.00003; gnomAD exomes 0.00002 and 0.00004; TOPMed 0.00003; ESP Exome Variant Server 0.00008.
gnomAD v4.1: 73 of 1,612,988 alleles (0.0045%); highest among the groups gnomAD compares: Non-Finnish European, 0.0055%; no homozygotes.

Submissions (2):

Labcorp Genetics (formerly Invitae), Labcorp
Classification: Uncertain significance. Last evaluated: 2023-05-08. Review status: criteria provided, single submitter. Criteria: Invitae Variant Classification Sherloc (09022015). Collection method: clinical testing. Allele origin: germline.
Comment: In summary, the available evidence is currently insufficient to determine the role of this variant in disease. Therefore, it has been classified as a Variant of Uncertain Significance. An algorithm developed to predict the effect of missense changes on protein structure and function (PolyPhen-2) suggests that this variant is likely to be disruptive. ClinVar contains an entry for this variant (Variation ID: 1505053). This variant has not been reported in the literature in individuals affected with PEX11B-related conditions. This variant is present in population databases (rs370559930, gnomAD 0.005%). This sequence change replaces arginine, which is basic and polar, with histidine, which is basic and polar, at codon 122 of the PEX11B protein (p.Arg122His).

Ambry Genetics
Classification: Uncertain significance for Inborn genetic diseases. Last evaluated: 2022-09-29. Review status: criteria provided, single submitter. Criteria: Ambry Variant Classification Scheme 2023. Collection method: clinical testing. Allele origin: germline.

NM_003846.3(PEX11B):c.365G>A (p.Arg122His)

Gene: PEX11B (peroxisomal biogenesis factor 11 beta; minus strand). Cytogenetic location: 1q21.1.
Variant type: single nucleotide variant.
Coding change: c.365G>A on transcript NM_003846.3 (MANE Select); coding-DNA position 365, G replaced by A.
Protein change: p.Arg122His; replaces arginine 122 with histidine.
Molecular consequence: missense variant. On other transcripts: non-coding transcript variant (3).
Genome position (GRCh38, 1-based): chr1:145,916,826, C>T on the plus strand (G>A on the coding strand, the complement: PEX11B is on the minus strand). VCF-style: chr1-145916826-C-T. GRCh37 (hg19) VCF-style: chr1-145518263-G-A.
Other names: c.323G>A, p.Arg108His (NM_001184795.1); c.365G>A (NM_003846.2); short protein forms R122H, R108H.
Identifiers: ClinVar variation 1505053 (VCV001505053.7), dbSNP rs370559930, ClinGen allele CA1055576.
Genomic context (GRCh38, chr1:145,916,826, plus strand): 5'-GCAATATAGAGGCTACAAAAAAAAATCTTAAAGGAGAACAGGATATCAAACCTGAATGAA[C>T]GCTGGGCCCACTTCTCCTGATCCACACGGGGAGCCAGTCCAGACTTTCCAGCCCACAGGA-3'
Protein context (NP_003837.1, residues 112-132): PRVDQEKWAQ[Arg122His]SFRYYLFSLI